The following is an entry in ClinVar:

ClinVar aggregate classification (germline): Uncertain significance (1 of 4 stars; one submission).

Conditions:
Inborn genetic diseases. Identifiers: MedGen C0950123, MeSH D030342.

Submission:

Ambry Genetics
Classification: Uncertain significance for Inborn genetic diseases. Last evaluated: 2026-08-04. Review status: criteria provided, single submitter. Criteria: Ambry Variant Classification Scheme 2023. Collection method: clinical testing. Allele origin: germline.
Comment: The p.L231I variant (also known as c.691C>A), located in coding exon 4 of the KDM1A gene, results from a C to A substitution at nucleotide position 691. The leucine at codon 231 is replaced by isoleucine, an amino acid with highly similar properties. This amino acid position is conserved. In addition, the in silico prediction for this alteration is inconclusive. Based on the available evidence, the clinical significance of this variant remains unclear.

NM_001009999.3(KDM1A):c.691C>A (p.Leu231Ile)

Gene: KDM1A (lysine demethylase 1A; plus strand). Cytogenetic location: 1p36.12.
Variant type: single nucleotide variant.
Coding change: c.691C>A on transcript NM_001009999.3 (MANE Select); coding-DNA position 691, C replaced by A.
Protein change: p.Leu231Ile; replaces leucine 231 with isoleucine.
Molecular consequence: missense variant.
Genome position (GRCh38, 1-based): chr1:23,050,500, C>A. VCF-style: chr1-23050500-C-A. GRCh37 (hg19) VCF-style: chr1-23376993-C-A.
Other names: c.631C>A, p.Leu211Ile (NM_001363654.2, NM_001410763.1, NM_015013.4); c.691C>A, p.Leu231Ile (NM_001410762.1); short protein forms L211I, L231I.
Identifiers: ClinVar variation 5023085 (VCV005023085.1).
Genomic context (GRCh38, chr1:23,050,500, plus strand): 5'-CAAGAAGCAGCCTGTTTTCCAGATATTATCAGTGGACCACAACAGACCCAGAAGGTTTTT[C>A]TTTTCATTAGAAACCGCACAGTAAGTTTCCATTTCAGCTTTTTCACCTGGATTATAAAAA-3'
Protein context (NP_001009999.1, residues 221-241): SGPQQTQKVF[Leu231Ile]FIRNRTLQLW